The following is an entry in ClinVar:

NM_000384.3(APOB):c.6838C>G (p.His2280Asp)

Gene: APOB (apolipoprotein B; minus strand). Cytogenetic location: 2p24.1.
Variant type: single nucleotide variant.
Coding change: c.6838C>G on transcript NM_000384.3 (MANE Select); coding-DNA position 6838, C replaced by G.
Protein change: p.His2280Asp; replaces histidine 2280 with aspartic acid.
Molecular consequence: missense variant.
Genome position (GRCh38, 1-based): chr2:21,010,030, G>C on the plus strand (C>G on the coding strand, the complement: APOB is on the minus strand). VCF-style: chr2-21010030-G-C. GRCh37 (hg19) VCF-style: chr2-21232902-G-C.
Other names: short protein forms H2280D.
Identifiers: ClinVar variation 3933719 (VCV003933719.2).

ClinVar aggregate classification (germline): Uncertain significance (1 of 4 stars; one submission).

Conditions:
Cardiovascular phenotype. Identifiers: MedGen CN230736.

Submission:

Ambry Genetics
Classification: Uncertain significance for Cardiovascular phenotype. Last evaluated: 2026-09-11. Review status: criteria provided, single submitter. Criteria: Ambry Variant Classification Scheme 2023. Collection method: clinical testing. Allele origin: germline.
Comment: The p.H2280D variant (also known as c.6838C>G), located in coding exon 26 of the APOB gene, results from a C to G substitution at nucleotide position 6838. The histidine at codon 2280 is replaced by aspartic acid, an amino acid with similar properties. This amino acid position is conserved. In addition, this alteration is predicted to be tolerated by in silico analysis. Based on the available evidence, the clinical significance of this variant remains unclear.